The following is an entry in ClinVar:

ClinVar aggregate classification (germline): Uncertain significance (1 of 4 stars; one submission).

Submission:

GeneDx
Classification: Uncertain significance. Last evaluated: 2022-01-21. Review status: criteria provided, single submitter. Criteria: GeneDx Variant Classification Process June 2021. Collection method: clinical testing. Allele origin: germline. Affected: yes.
Comment: Not observed at significant frequency in large population cohorts (gnomAD); In silico analysis supports that this missense variant has a deleterious effect on protein structure/function; Has not been previously published as pathogenic or benign to our knowledge

NM_012452.3(TNFRSF13B):c.509G>A (p.Cys170Tyr)

Gene: TNFRSF13B (TNF receptor superfamily member 13B; minus strand). Cytogenetic location: 17p11.2.
Variant type: single nucleotide variant.
Coding change: c.509G>A on transcript NM_012452.3 (MANE Select); coding-DNA position 509, G replaced by A.
Protein change: p.Cys170Tyr; replaces cysteine 170 with tyrosine.
Molecular consequence: missense variant.
Genome position (GRCh38, 1-based): chr17:16,940,448, C>T on the plus strand (G>A on the coding strand, the complement: TNFRSF13B is on the minus strand). VCF-style: chr17-16940448-C-T. GRCh37 (hg19) VCF-style: chr17-16843762-C-T.
Other names: short protein forms C170Y.
Identifiers: ClinVar variation 1698346 (VCV001698346.2), dbSNP rs2087501714, ClinGen allele CA398519600.
Genomic context (GRCh38, chr17:16,940,448, plus strand): 5'-CCCCTCTTCTTGAGGAAGCAGGCCACCGCCACCAGGAAGCAGCAGAGGACGGCACACAGG[C>T]AGAGCCCCAGCGTGCTGTAGACCAGGGCCACCTGATCTGCACTCAGCTTCAGCCCCGGGA-3'
Protein context (NP_036584.1, residues 160-180): VALVYSTLGL[Cys170Tyr]LCAVLCCFLV